The following is an entry in ClinVar:

NM_001106.4(ACVR2B):c.*9C>T

Gene: ACVR2B (activin A receptor type 2B; plus strand). Cytogenetic location: 3p22.2.
Variant type: single nucleotide variant.
Coding change: c.*9C>T on transcript NM_001106.4 (MANE Select); 9 bases downstream of the stop codon, C replaced by T.
Molecular consequence: 3 prime UTR variant.
Genome position (GRCh38, 1-based): chr3:38,483,341, C>T. VCF-style: chr3-38483341-C-T. GRCh37 (hg19) VCF-style: chr3-38524832-C-T.
Identifiers: ClinVar variation 3034717 (VCV003034717.2), dbSNP rs778598170, ClinGen allele CA2319104.

ClinVar aggregate classification (germline): Likely benign (0 of 4 stars; one submission).

Conditions:
ACVR2B-related disorder. Also called: ACVR2B-related condition.

Allele frequency attached by ClinVar (database versions not stated): gnomAD exomes below 0.00001; TOPMed 0.00001; ExAC 0.00002.
gnomAD v4.1: 5 of 1,613,842 alleles (0.00031%); highest among the groups gnomAD compares: South Asian, 0.0033%; no homozygotes.

Submission:

PreventionGenetics, part of Exact Sciences
Classification: Likely benign for ACVR2B-related condition. Last evaluated: 2019-07-26. Review status: no assertion criteria provided. Collection method: clinical testing. Allele origin: germline.
Comment: This variant is classified as likely benign based on ACMG/AMP sequence variant interpretation guidelines (Richards et al. 2015 PMID: 25741868, with internal and published modifications).